The following is an entry in ClinVar:

ClinVar aggregate classification (germline): Uncertain significance (1 of 4 stars; one submission).

Allele frequency attached by ClinVar (database versions not stated): gnomAD 0.00001; gnomAD exomes 0.00001; TOPMed 0.00002; ExAC 0.00003.
gnomAD v4.1: 20 of 1,614,034 alleles (0.0012%); highest among the groups gnomAD compares: Admixed American, 0.0067%; no homozygotes.

Submission:

Labcorp Genetics (formerly Invitae), Labcorp
Classification: Uncertain significance. Last evaluated: 2024-04-29. Review status: criteria provided, single submitter. Criteria: Invitae Variant Classification Sherloc (09022015). Collection method: clinical testing. Allele origin: germline.
Comment: This sequence change replaces threonine, which is neutral and polar, with isoleucine, which is neutral and non-polar, at codon 481 of the FAT2 protein (p.Thr481Ile). This variant is present in population databases (rs746130137, gnomAD 0.009%). This variant has not been reported in the literature in individuals affected with FAT2-related conditions. ClinVar contains an entry for this variant (Variation ID: 2175551). Advanced modeling of protein sequence and biophysical properties (such as structural, functional, and spatial information, amino acid conservation, physicochemical variation, residue mobility, and thermodynamic stability) has been performed at Invitae for this missense variant, however the output from this modeling did not meet the statistical confidence thresholds required to predict the impact of this variant on FAT2 protein function. In summary, the available evidence is currently insufficient to determine the role of this variant in disease. Therefore, it has been classified as a Variant of Uncertain Significance.

NM_001447.3(FAT2):c.1442C>T (p.Thr481Ile)

Gene: FAT2 (FAT atypical cadherin 2; minus strand). Cytogenetic location: 5q33.1.
Variant type: single nucleotide variant.
Coding change: c.1442C>T on transcript NM_001447.3 (MANE Select); coding-DNA position 1442, C replaced by T.
Protein change: p.Thr481Ile; replaces threonine 481 with isoleucine.
Molecular consequence: missense variant.
Genome position (GRCh38, 1-based): chr5:151,567,490, G>A on the plus strand (C>T on the coding strand, the complement: FAT2 is on the minus strand). VCF-style: chr5-151567490-G-A. GRCh37 (hg19) VCF-style: chr5-150947051-G-A.
Other names: short protein forms T481I.
Identifiers: ClinVar variation 2175551 (VCV002175551.4), dbSNP rs746130137, ClinGen allele CA3522254.